The following is an entry in ClinVar:

NM_001042492.3(NF1):c.6045C>A (p.Ile2015=)

Gene: NF1 (neurofibromin 1; plus strand). Cytogenetic location: 17q11.2.
Variant type: single nucleotide variant.
Coding change: c.6045C>A on transcript NM_001042492.3 (MANE Select); coding-DNA position 6045, C replaced by A.
Protein change: p.Ile2015=; no amino-acid change (isoleucine 2015 retained).
Molecular consequence: synonymous variant.
Genome position (GRCh38, 1-based): chr17:31,336,371, C>A. VCF-style: chr17-31336371-C-A. GRCh37 (hg19) VCF-style: chr17-29663389-C-A.
Other names: c.5982C>A, p.Ile1994= (NM_000267.4).
Identifiers: ClinVar variation 527670 (VCV000527670.13), dbSNP rs1433863184, ClinGen allele CA499446435.

ClinVar aggregate classification (germline): Benign/Likely benign. Review status: criteria provided, multiple submitters, no conflicts (2 of 4 stars). 4 submissions from 4 submitters: Benign (1); Likely benign (3). Last evaluated 2026-09-28.

Conditions:
Cardiovascular phenotype. Identifiers: MedGen CN230736.
Hereditary cancer-predisposing syndrome. Also called: Tumor predisposition; Neoplastic Syndromes, Hereditary; Hereditary Cancer Syndrome; Hereditary neoplastic syndrome. Identifiers: Orphanet 140162, MedGen C0027672, MeSH D009386, MONDO:0015356.
Neurofibromatosis, type 1 (NF1). Also called: NEUROFIBROMATOSIS, TYPE I, SOMATIC; Peripheral type neurofibromatosis; VON RECKLINGHAUSEN DISEASE; Neurofibromatosis, type I. Identifiers: Orphanet 636, MedGen C0027831, MONDO:0018975, OMIM 162200. Disease mechanism: loss of function.

Allele frequency attached by ClinVar (database versions not stated): gnomAD exomes below 0.00001.

Submissions (4):

Myriad Genetics, Inc.
Classification: Benign for Neurofibromatosis, type 1. Last evaluated: 2026-09-28. Review status: criteria provided, single submitter. Criteria: Myriad Autosomal Dominant, Autosomal Recessive and X-Linked Classification Criteria (2023). Collection method: clinical testing. Allele origin: unknown.
Comment: This variant is considered benign. This variant is a silent/synonymous amino acid change and it is not expected to impact splicing.

Labcorp Genetics (formerly Invitae), Labcorp
Classification: Likely benign for Neurofibromatosis, type 1. Last evaluated: 2024-09-04. Review status: criteria provided, single submitter. Criteria: Invitae Variant Classification Sherloc (09022015). Collection method: clinical testing. Allele origin: germline.

Genome-Nilou Lab
Classification: Likely benign for Neurofibromatosis, type 1. Last evaluated: 2022-03-15. Review status: criteria provided, single submitter. Criteria: ACMG Guidelines, 2015. Collection method: clinical testing. Allele origin: germline. Affected: no.

Ambry Genetics
Classification: Likely benign for Cardiovascular phenotype; Hereditary cancer-predisposing syndrome. Last evaluated: 2019-06-04. Review status: criteria provided, single submitter. Criteria: Ambry Variant Classification Scheme 2023. Collection method: clinical testing. Allele origin: germline.